The following is an entry in ClinVar:

ClinVar aggregate classification (germline): Likely benign (1 of 4 stars; one submission).

Allele frequency attached by ClinVar (database versions not stated): gnomAD exomes 0.02841; TOPMed 0.02843; 1000 Genomes Project 30x 0.02983; gnomAD 0.03002 and 0.03060.
gnomAD v4.1: 29,017 of 1,009,120 alleles (2.9%); highest among the groups gnomAD compares: African/African-American, 3.6%; 515 homozygotes.

Submission:

GeneDx
Classification: Likely benign. Last evaluated: 2018-06-16. Review status: criteria provided, single submitter. Criteria: GeneDx Variant Classification (06012015). Collection method: clinical testing. Allele origin: germline. Affected: yes.
Comment: This variant is considered likely benign or benign based on one or more of the following criteria: it is a conservative change, it occurs at a poorly conserved position in the protein, it is predicted to be benign by multiple in silico algorithms, and/or has population frequency not consistent with disease.

NM_130837.3(OPA1):c.1478-141G>A

Gene: OPA1 (OPA1 mitochondrial dynamin like GTPase; plus strand). Cytogenetic location: 3q29.
Variant type: single nucleotide variant.
Coding change: c.1478-141G>A on transcript NM_130837.3 (MANE Select); 141 bases into the intron before coding-DNA position 1478, G replaced by A.
Molecular consequence: intron variant.
Genome position (GRCh38, 1-based): chr3:193,643,834, G>A. VCF-style: chr3-193643834-G-A. GRCh37 (hg19) VCF-style: chr3-193361623-G-A.
Other names: c.941-141G>A (NM_001354664.2); c.944-141G>A (NM_001354663.2); c.1367-141G>A (NM_130834.3); c.1424-141G>A (NM_130836.3); c.1313-141G>A (NM_015560.3); c.1370-141G>A (NM_130835.3); c.1259-141G>A (NM_130832.3); c.1316-141G>A (NM_130833.3); and 1 more.
Identifiers: ClinVar variation 674101 (VCV000674101.1), dbSNP rs112831553, ClinGen allele CA90532707.
Genomic context (GRCh38, chr3:193,643,834, plus strand): 5'-TTGAAGTTGAAATTATTTTGATAAGTTTTACATAAGCATCATTGAAATTTTTATCGGCTA[G>A]GATTTCTTTTTAGTAAATAACGTAAATGTATTAAAATCTTTCTTGCTATAATGTAGACAC-3'